The following is an entry in ClinVar:

NM_006059.4(LAMC3):c.3066G>T (p.Glu1022Asp)

Gene: LAMC3 (laminin subunit gamma 3; plus strand). Cytogenetic location: 9q34.12.
Variant type: single nucleotide variant.
Coding change: c.3066G>T on transcript NM_006059.4 (MANE Select); coding-DNA position 3066, G replaced by T.
Protein change: p.Glu1022Asp; replaces glutamic acid 1022 with aspartic acid.
Molecular consequence: missense variant.
Genome position (GRCh38, 1-based): chr9:131,069,847, G>T. VCF-style: chr9-131069847-G-T. GRCh37 (hg19) VCF-style: chr9-133945234-G-T.
Other names: short protein forms E1022D.
Identifiers: ClinVar variation 1478321 (VCV001478321.8), dbSNP rs745626055, ClinGen allele CA375255937.
Genomic context (GRCh38, chr9:131,069,847, plus strand): 5'-CCTCACGGCAGACGGCACACACTGCCAGCAATGTCCGTCCTGCTACGCCCTGGTGAAGGA[G>T]GAGGTGAGTCGGCCCAGACCCACTCACCTTTCCATTCATTCTGTATTCCCAGCAAGTGCC-3'
Protein context (NP_006050.3, residues 1012-1032): QCPSCYALVK[Glu1022Asp]EAAKLKARLT

ClinVar aggregate classification (germline): Uncertain significance (1 of 4 stars; one submission).

gnomAD v4.1: 1 of 1,586,534 alleles (0.000063%); highest among the groups gnomAD compares: Non-Finnish European, 0.000086%; no homozygotes.

Submission:

Labcorp Genetics (formerly Invitae), Labcorp
Classification: Uncertain significance. Last evaluated: 2023-07-14. Review status: criteria provided, single submitter. Criteria: Invitae Variant Classification Sherloc (09022015). Collection method: clinical testing. Allele origin: germline.
Comment: Algorithms developed to predict the effect of missense changes on protein structure and function output the following: SIFT: "Not Available"; PolyPhen-2: "Benign"; Align-GVGD: "Not Available". The aspartic acid amino acid residue is found in multiple mammalian species, which suggests that this missense change does not adversely affect protein function. In summary, the available evidence is currently insufficient to determine the role of this variant in disease. Therefore, it has been classified as a Variant of Uncertain Significance. ClinVar contains an entry for this variant (Variation ID: 1478321). This variant has not been reported in the literature in individuals affected with LAMC3-related conditions. This variant is not present in population databases (gnomAD no frequency). This sequence change replaces glutamic acid, which is acidic and polar, with aspartic acid, which is acidic and polar, at codon 1022 of the LAMC3 protein (p.Glu1022Asp).